The following is an entry in ClinVar:

ClinVar aggregate classification (germline): Uncertain significance. Review status: criteria provided, multiple submitters, no conflicts (2 of 4 stars). 2 submissions from 2 submitters: Uncertain significance (2). Last evaluated 2025-08-09.

Conditions:
Inborn genetic diseases. Identifiers: MedGen C0950123, MeSH D030342.

gnomAD v4.1: 28 of 1,613,940 alleles (0.0017%); highest among the groups gnomAD compares: African/African-American, 0.035%; no homozygotes.

Submissions (2):

Labcorp Genetics (formerly Invitae), Labcorp
Classification: Uncertain significance. Last evaluated: 2025-08-09. Review status: criteria provided, single submitter. Criteria: Invitae Variant Classification Sherloc (09022015). Collection method: clinical testing. Allele origin: germline.
Comment: This sequence change replaces glutamine, which is neutral and polar, with glutamic acid, which is acidic and polar, at codon 214 of the FERMT1 protein (p.Gln214Glu). This variant is present in population databases (rs775064265, gnomAD 0.04%). This variant has not been reported in the literature in individuals affected with FERMT1-related conditions. ClinVar contains an entry for this variant (Variation ID: 1479035). Invitae Evidence Modeling of protein sequence and biophysical properties (such as structural, functional, and spatial information, amino acid conservation, physicochemical variation, residue mobility, and thermodynamic stability) indicates that this missense variant is not expected to disrupt FERMT1 protein function with a negative predictive value of 80%. In summary, the available evidence is currently insufficient to determine the role of this variant in disease. Therefore, it has been classified as a Variant of Uncertain Significance.

Ambry Genetics
Classification: Uncertain significance for Inborn genetic diseases. Last evaluated: 2025-05-21. Review status: criteria provided, single submitter. Criteria: Ambry Variant Classification Scheme 2023. Collection method: clinical testing. Allele origin: germline.

NM_017671.5(FERMT1):c.640C>G (p.Gln214Glu)

Gene: FERMT1 (FERM domain containing kindlin 1; minus strand). Cytogenetic location: 20p12.3.
Variant type: single nucleotide variant.
Coding change: c.640C>G on transcript NM_017671.5 (MANE Select); coding-DNA position 640, C replaced by G.
Protein change: p.Gln214Glu; replaces glutamine 214 with glutamic acid.
Molecular consequence: missense variant.
Genome position (GRCh38, 1-based): chr20:6,110,404, G>C on the plus strand (C>G on the coding strand, the complement: FERMT1 is on the minus strand). VCF-style: chr20-6110404-G-C. GRCh37 (hg19) VCF-style: chr20-6091051-G-C.
Other names: c.640C>G (NM_017671.4); short protein forms Q214E.
Identifiers: ClinVar variation 1479035 (VCV001479035.12), dbSNP rs775064265, ClinGen allele CA9758411.